The following is an entry in ClinVar:

NM_006514.4(SCN10A):c.1490G>A (p.Arg497His)

Gene: SCN10A (sodium voltage-gated channel alpha subunit 10; minus strand). Cytogenetic location: 3p22.2.
Variant type: single nucleotide variant.
Coding change: c.1490G>A on transcript NM_006514.4 (MANE Select); coding-DNA position 1490, G replaced by A.
Protein change: p.Arg497His; replaces arginine 497 with histidine.
Molecular consequence: missense variant. On other transcripts: intron variant (1).
Genome position (GRCh38, 1-based): chr3:38,752,484, C>T on the plus strand (G>A on the coding strand, the complement: SCN10A is on the minus strand). VCF-style: chr3-38752484-C-T. GRCh37 (hg19) VCF-style: chr3-38793975-C-T.
Other names: c.1490G>A, p.Arg497His (NM_001293306.2); c.1462-2300G>A (NM_001293307.2); c.1490G>A (NM_006514.2); short protein forms R497H.
Identifiers: ClinVar variation 2008926 (VCV002008926.4), dbSNP rs766682646, ClinGen allele CA2320835.

ClinVar aggregate classification (germline): Uncertain significance. Review status: criteria provided, multiple submitters, no conflicts (2 of 4 stars). 2 submissions from 2 submitters: Uncertain significance (2). Last evaluated 2025-11-28.

Conditions:
Cardiovascular phenotype. Identifiers: MedGen CN230736.
Brugada syndrome. Also called: Sudden unexplained nocturnal death syndrome; Sudden unexpected nocturnal death syndrome; Sudden Unexplained Death Syndrome; Sudden Unexplained Nocturnal Death Syndrome (SUNDS). Identifiers: Orphanet 130, MedGen C1142166, MONDO:0015263.

Allele frequency attached by ClinVar (database versions not stated): gnomAD 0.00001; gnomAD exomes 0.00001; TOPMed 0.00001; ExAC 0.00002.
gnomAD v4.1: 14 of 1,600,782 alleles (0.00087%); highest among the groups gnomAD compares: African/African-American, 0.004%; no homozygotes.

Submissions (2):

Labcorp Genetics (formerly Invitae), Labcorp
Classification: Uncertain significance for Brugada syndrome. Last evaluated: 2025-11-28. Review status: criteria provided, single submitter. Criteria: Invitae Variant Classification Sherloc (09022015). Collection method: clinical testing. Allele origin: germline.
Comment: This sequence change replaces arginine, which is basic and polar, with histidine, which is basic and polar, at codon 497 of the SCN10A protein (p.Arg497His). This variant is present in population databases (rs766682646, gnomAD 0.01%). This variant has not been reported in the literature in individuals affected with SCN10A-related conditions. ClinVar contains an entry for this variant (Variation ID: 2008926). Invitae Evidence Modeling of protein sequence and biophysical properties (such as structural, functional, and spatial information, amino acid conservation, physicochemical variation, residue mobility, and thermodynamic stability) indicates that this missense variant is not expected to disrupt SCN10A protein function with a negative predictive value of 80%. In summary, the available evidence is currently insufficient to determine the role of this variant in disease. Therefore, it has been classified as a Variant of Uncertain Significance.

Ambry Genetics
Classification: Uncertain significance for Cardiovascular phenotype. Last evaluated: 2023-09-15. Review status: criteria provided, single submitter. Criteria: Ambry Variant Classification Scheme 2023. Collection method: clinical testing. Allele origin: germline.
Comment: The p.R497H variant (also known as c.1490G>A), located in coding exon 11 of the SCN10A gene, results from a G to A substitution at nucleotide position 1490. The arginine at codon 497 is replaced by histidine, an amino acid with highly similar properties. This amino acid position is highly conserved in available vertebrate species. In addition, the in silico prediction for this alteration is inconclusive. The evidence for this gene-disease relationship is limited; therefore, the clinical significance of this alteration is unclear.